The following is an entry in ClinVar:

ClinVar aggregate classification (germline): Uncertain significance (1 of 4 stars; one submission).

gnomAD v4.1: 1 of 1,613,922 alleles (0.000062%); highest among the groups gnomAD compares: African/African-American, 0.0013%; no homozygotes.

Submission:

Labcorp Genetics (formerly Invitae), Labcorp
Classification: Uncertain significance. Last evaluated: 2022-07-20. Review status: criteria provided, single submitter. Criteria: Invitae Variant Classification Sherloc (09022015). Collection method: clinical testing. Allele origin: germline.
Comment: This sequence change replaces valine, which is neutral and non-polar, with aspartic acid, which is acidic and polar, at codon 859 of the MCM3AP protein (p.Val859Asp). In summary, the available evidence is currently insufficient to determine the role of this variant in disease. Therefore, it has been classified as a Variant of Uncertain Significance. Algorithms developed to predict the effect of missense changes on protein structure and function (SIFT, PolyPhen-2, Align-GVGD) all suggest that this variant is likely to be disruptive. This variant has not been reported in the literature in individuals affected with MCM3AP-related conditions. This variant is not present in population databases (gnomAD no frequency).

NM_003906.5(MCM3AP):c.2576T>A (p.Val859Asp)

Gene: MCM3AP (minichromosome maintenance complex component 3 associated protein; minus strand). Cytogenetic location: 21q22.3.
Variant type: single nucleotide variant.
Coding change: c.2576T>A on transcript NM_003906.5 (MANE Select); coding-DNA position 2576, T replaced by A.
Protein change: p.Val859Asp; replaces valine 859 with aspartic acid.
Molecular consequence: missense variant.
Genome position (GRCh38, 1-based): chr21:46,270,453, A>T on the plus strand (T>A on the coding strand, the complement: MCM3AP is on the minus strand). VCF-style: chr21-46270453-A-T. GRCh37 (hg19) VCF-style: chr21-47690367-A-T.
Other names: short protein forms V859D.
Identifiers: ClinVar variation 1720047 (VCV001720047.5), dbSNP rs1299831516, ClinGen allele CA410565774.
Genomic context (GRCh38, chr21:46,270,453, plus strand): 5'-TTACTCACCTGACTGAAGTAACAGTGTAAAAGACAAGCGTTCAGGTAAGAAGCTGACTGG[A>T]CCAGTTTGAAAAATCTCACAAAATTATTACTGTTCAATGCAGCAAAAGCCTGAACAGCAA-3'
Protein context (NP_003897.2, residues 849-869): SNNFVRFFKL[Val859Asp]QSASYLNACL